The following is an entry in ClinVar:

ClinVar aggregate classification (germline): Pathogenic (1 of 4 stars; one submission).

Submission:

Labcorp Genetics (formerly Invitae), Labcorp
Classification: Pathogenic. Last evaluated: 2023-04-25. Review status: criteria provided, single submitter. Criteria: Invitae Variant Classification Sherloc (09022015). Collection method: clinical testing. Allele origin: germline.
Comment: For these reasons, this variant has been classified as Pathogenic. This variant has not been reported in the literature in individuals affected with AGXT-related conditions. This variant is not present in population databases (gnomAD no frequency). This sequence change creates a premature translational stop signal (p.Lys225*) in the AGXT gene. It is expected to result in an absent or disrupted protein product. Loss-of-function variants in AGXT are known to be pathogenic (PMID: 19479957).

Literature cited by the submitters: PubMed 19479957.

NM_000030.3(AGXT):c.673A>T (p.Lys225Ter)

Gene: AGXT (alanine--glyoxylate aminotransferase; plus strand). Cytogenetic location: 2q37.3.
Variant type: single nucleotide variant.
Coding change: c.673A>T on transcript NM_000030.3 (MANE Select); coding-DNA position 673, A replaced by T.
Protein change: p.Lys225Ter; replaces lysine 225 with a stop codon.
Molecular consequence: nonsense.
Genome position (GRCh38, 1-based): chr2:240,874,055, A>T. VCF-style: chr2-240874055-A-T. GRCh37 (hg19) VCF-style: chr2-241813472-A-T.
Other names: short protein forms K225*.
Identifiers: ClinVar variation 2859006 (VCV002859006.3), dbSNP rs2528753335, ClinGen allele CA351317079.